The following is an entry in ClinVar:

ClinVar aggregate classification (germline): Uncertain significance. Review status: criteria provided, multiple submitters, no conflicts (2 of 4 stars). 2 submissions from 2 submitters: Uncertain significance (2). Last evaluated 2025-11-27.

Conditions:
Inborn genetic diseases. Identifiers: MedGen C0950123, MeSH D030342.

Allele frequency attached by ClinVar (database versions not stated): gnomAD 0.00005 and 0.00007; TOPMed 0.00006; ExAC 0.00007; gnomAD exomes 0.00012; ESP Exome Variant Server 0.00015; 1000 Genomes Project 30x 0.00016; 1000 Genomes Project 0.00020.
gnomAD v4.1: 189 of 1,518,278 alleles (0.012%); highest among the groups gnomAD compares: South Asian, 0.025%; no homozygotes.

Submissions (2):

Labcorp Genetics (formerly Invitae), Labcorp
Classification: Uncertain significance. Last evaluated: 2025-11-27. Review status: criteria provided, single submitter. Criteria: Invitae Variant Classification Sherloc (09022015). Collection method: clinical testing. Allele origin: germline.
Comment: This sequence change replaces valine, which is neutral and non-polar, with isoleucine, which is neutral and non-polar, at codon 803 of the INTU protein (p.Val803Ile). This variant is present in population databases (rs371347616, gnomAD 0.06%), and has an allele count higher than expected for a pathogenic variant. This variant has not been reported in the literature in individuals affected with INTU-related conditions. ClinVar contains an entry for this variant (Variation ID: 1523379). Invitae Evidence Modeling of protein sequence and biophysical properties (such as structural, functional, and spatial information, amino acid conservation, physicochemical variation, residue mobility, and thermodynamic stability) indicates that this missense variant is not expected to disrupt INTU protein function with a negative predictive value of 80%. In summary, the available evidence is currently insufficient to determine the role of this variant in disease. Therefore, it has been classified as a Variant of Uncertain Significance.

Ambry Genetics
Classification: Uncertain significance for Inborn genetic diseases. Last evaluated: 2024-02-28. Review status: criteria provided, single submitter. Criteria: Ambry Variant Classification Scheme 2023. Collection method: clinical testing. Allele origin: germline.

NM_015693.4(INTU):c.2407G>A (p.Val803Ile)

Gene: INTU (inturned planar cell polarity protein; plus strand). Cytogenetic location: 4q28.1.
Variant type: single nucleotide variant.
Coding change: c.2407G>A on transcript NM_015693.4 (MANE Select); coding-DNA position 2407, G replaced by A.
Protein change: p.Val803Ile; replaces valine 803 with isoleucine.
Molecular consequence: missense variant.
Genome position (GRCh38, 1-based): chr4:127,710,950, G>A. VCF-style: chr4-127710950-G-A. GRCh37 (hg19) VCF-style: chr4-128632105-G-A.
Other names: c.2407G>A (NM_015693.3); short protein forms V803I.
Identifiers: ClinVar variation 1523379 (VCV001523379.7), dbSNP rs371347616, ClinGen allele CA3075330.
Genomic context (GRCh38, chr4:127,710,950, plus strand): 5'-CTTTGATTTTTTTTCTTTTTAAGACTGACATCTGGTCCTGAGAACACACTTTTCCACTAC[G>A]TTGCCTTAGAAACAGTGCAAGGAATCTTTATTACTCCTACCCTTGAAGAGGTGGCACAGC-3'
Protein context (NP_056508.2, residues 793-813): SGPENTLFHY[Val803Ile]ALETVQGIFI